The following is an entry in ClinVar:

ClinVar aggregate classification (germline): Uncertain significance (1 of 4 stars; one submission).

Conditions:
Autoimmune lymphoproliferative syndrome type 2A (ALPS2A). Also called: CASP10-Related Autoimmune Lymphoproliferative Syndrome; AUTOIMMUNE LYMPHOPROLIFERATIVE SYNDROME, TYPE IIA; Autoimmune lymphoproliferative syndrome type 2. Identifiers: Orphanet 3261, MedGen C1858968, MONDO:0011383, OMIM 603909.

Submission:

Labcorp Genetics (formerly Invitae), Labcorp
Classification: Uncertain significance for Autoimmune lymphoproliferative syndrome type 2A. Last evaluated: 2024-07-30. Review status: criteria provided, single submitter. Criteria: Invitae Variant Classification Sherloc (09022015). Collection method: clinical testing. Allele origin: germline.
Comment: This sequence change replaces serine, which is neutral and polar, with arginine, which is basic and polar, at codon 311 of the CASP10 protein (p.Ser311Arg). This variant is not present in population databases (gnomAD no frequency). This variant has not been reported in the literature in individuals affected with CASP10-related conditions. Advanced modeling of protein sequence and biophysical properties (such as structural, functional, and spatial information, amino acid conservation, physicochemical variation, residue mobility, and thermodynamic stability) performed at Invitae indicates that this missense variant is not expected to disrupt CASP10 protein function with a negative predictive value of 80%. In summary, the available evidence is currently insufficient to determine the role of this variant in disease. Therefore, it has been classified as a Variant of Uncertain Significance.

NM_032977.4(CASP10):c.933T>A (p.Ser311Arg)

Gene: CASP10 (caspase 10; plus strand). Cytogenetic location: 2q33.1.
Variant type: single nucleotide variant.
Coding change: c.933T>A on transcript NM_032977.4 (MANE Select); coding-DNA position 933, T replaced by A.
Protein change: p.Ser311Arg; replaces serine 311 with arginine.
Molecular consequence: missense variant. On other transcripts: 3 prime UTR variant (1).
Genome position (GRCh38, 1-based): chr2:201,209,080, T>A. VCF-style: chr2-201209080-T-A. GRCh37 (hg19) VCF-style: chr2-202073803-T-A.
Other names: c.804T>A, p.Ser268Arg (NM_001230.5, NM_001206542.2); c.933T>A, p.Ser311Arg (NM_032974.5); c.*19T>A (NM_032976.4); c.732T>A, p.Ser244Arg (NM_001206524.2); short protein forms S244R, S268R, S311R.
Identifiers: ClinVar variation 3757477 (VCV003757477.2).